The following is an entry in ClinVar:

ClinVar aggregate classification (germline): not provided (0 of 4 stars; one submission).

Conditions:
Preeclampsia. Identifiers: Orphanet 275555, MedGen C0032914, MONDO:0005081, HP:0100602.

Submission:

Institute of Molecular and Cell Biology, University of Tartu
No classification provided. Condition: Preeclampsia. Review status: no classification provided. Collection method: case-control. Allele origin: unknown. Affected: yes. Study: Kasak2014.
Comment: The study aimed to determine the contribution of copy number variants in the genetic etiology of normal and complicated pregnancies. The samples represented (i) maternal blood DNA drawn from healthy pregnant women during 1st or 2nd trimester and (ii) maternal and paternal blood DNA drawn at term pregnancy cases representing normal and complicated gestations (severe preeclampsia, PE; gestational diabetes, GD; small-for-gestational age newborn, SGA; large-for-gestational age newborn, LGA). We performed CNV calling based on genome-wide genotyping dataset (Illumina HumanOmniExpress-24-v1 BeadChip) by applying three algorithms, QuantiSNP, GADA (Genome Alteration Detection Algorithm) and CNstream in parallel. The acquired CNV calls were merged with HD-CNV (Hotspot Detector for Copy Number Variants) program and only the CNVs predicted by at least two programs, were considered in subsequent analysis.

Literature cited by the submitters: PubMed 25666259.

Single allele

Genes: PSG11-AS1 (PSG11, PSG2 and PSG5 antisense RNA 1; plus strand), PSG4 (pregnancy specific beta-1-glycoprotein 4; minus strand), PSG5 (pregnancy specific beta-1-glycoprotein 5; minus strand). Cytogenetic location: 19q13.31.
Variant type: Deletion.
Identifiers: ClinVar variation 157454 (VCV000157454.2).